The following is an entry in ClinVar:

ClinVar aggregate classification (germline): Likely pathogenic. Review status: criteria provided, multiple submitters, no conflicts (2 of 4 stars). 2 submissions from 2 submitters: Likely pathogenic (2). Last evaluated 2023-06-10.

Conditions:
Hereditary cancer-predisposing syndrome. Also called: Tumor predisposition; Hereditary Cancer Syndrome; Hereditary neoplastic syndrome; Neoplastic Syndromes, Hereditary. Identifiers: Orphanet 140162, MedGen C0027672, MeSH D009386, MONDO:0015356.
Ataxia-telangiectasia syndrome (AT). Also called: Ataxia telangiectasia (A-T); LOUIS-BAR SYNDROME; Cerebello-oculocutaneous telangiectasia; Immunodeficiency with ataxia telangiectasia; ATAXIA-TELANGIECTASIA, COMPLEMENTATION GROUP A; ATAXIA-TELANGIECTASIA, FRESNO VARIANT. Identifiers: Orphanet 100, MedGen C0004135, MONDO:0008840, OMIM 208900.

Submissions (2):

Labcorp Genetics (formerly Invitae), Labcorp
Classification: Likely pathogenic for Ataxia-telangiectasia syndrome. Last evaluated: 2023-06-10. Review status: criteria provided, single submitter. Criteria: Invitae Variant Classification Sherloc (09022015). Collection method: clinical testing. Allele origin: germline.
Comment: This variant is not present in population databases (gnomAD no frequency). This variant has not been reported in the literature in individuals affected with ATM-related conditions. ClinVar contains an entry for this variant (Variation ID: 233758). Algorithms developed to predict the effect of sequence changes on RNA splicing suggest that this variant may disrupt the consensus splice site. In summary, the currently available evidence indicates that the variant is pathogenic, but additional data are needed to prove that conclusively. Therefore, this variant has been classified as Likely Pathogenic. This sequence change affects a donor splice site in intron 24 of the ATM gene. It is expected to disrupt RNA splicing. Variants that disrupt the donor or acceptor splice site typically lead to a loss of protein function (PMID: 16199547), and loss-of-function variants in ATM are known to be pathogenic (PMID: 23807571, 25614872).

Ambry Genetics
Classification: Likely pathogenic for Hereditary cancer-predisposing syndrome. Last evaluated: 2015-09-10. Review status: criteria provided, single submitter. Criteria: Ambry Variant Classification Scheme 2023. Collection method: clinical testing. Allele origin: germline.
Comment: The c.3576+1G>A intronic variant results from a G to A substitution one nucleotide after coding exon 23 of the ATM gene. This variant was not reported in population based cohorts in the following databases: Database of Single Nucleotide Polymorphisms (dbSNP), NHLBI Exome Sequencing Project (ESP), and 1000 Genomes Project. In the ESP, this variant was not observed in 6499 samples (12998 alleles) with coverage at this position. To date, this alteration has been detected with an allele frequency of approximately 0.002% (greater than 66,000 alleles tested) in our clinical cohort. This nucleotide position is highly conserved in available vertebrate species. Using the BDGP and ESEfinder splice site prediction tools, this alteration is predicted to abolish the native splice donor site; however experimental evidence is not currently available. Alterations that disrupt the canonical splice donor site are typically deleterious in nature (ACMG Recommendations for Standards for Interpretation and Reporting of Sequence Variations. Revision 2007. Genet Med. 2008;10:294). As such, the c.3576+1G>A variant is classified as likely pathogenic.

Literature cited by the submitters: PubMed 16199547 (cited by Labcorp Genetics (formerly Invitae), Labcorp); PubMed 23807571 (cited by Labcorp Genetics (formerly Invitae), Labcorp); PubMed 25614872 (cited by Labcorp Genetics (formerly Invitae), Labcorp).

NM_000051.4(ATM):c.3576+1G>A

Gene: ATM (ATM serine/threonine kinase; plus strand). Cytogenetic location: 11q22.3.
Variant type: single nucleotide variant.
Coding change: c.3576+1G>A on transcript NM_000051.4 (MANE Select); the canonical splice donor site of the intron after coding-DNA position 3576, G replaced by A.
Molecular consequence: splice donor variant.
Genome position (GRCh38, 1-based): chr11:108,281,169, G>A. VCF-style: chr11-108281169-G-A. GRCh37 (hg19) VCF-style: chr11-108151896-G-A.
Other names: c.3576+1G>A (NM_001351834.2).
Identifiers: ClinVar variation 233758 (VCV000233758.8), dbSNP rs876660621, ClinGen allele CA10579114.